The following is an entry in ClinVar:

NM_172250.3(MMAA):c.826A>C (p.Lys276Gln)

Gene: MMAA (metabolism of cobalamin associated A; plus strand). Cytogenetic location: 4q31.21.
Variant type: single nucleotide variant.
Coding change: c.826A>C on transcript NM_172250.3 (MANE Select); coding-DNA position 826, A replaced by C.
Protein change: p.Lys276Gln; replaces lysine 276 with glutamine.
Molecular consequence: missense variant.
Genome position (GRCh38, 1-based): chr4:145,654,000, A>C. VCF-style: chr4-145654000-A-C. GRCh37 (hg19) VCF-style: chr4-146575152-A-C.
Other names: c.826A>C, p.Lys276Gln (NM_001375644.1); short protein forms K276Q.
Identifiers: ClinVar variation 4689692 (VCV004689692.1).

ClinVar aggregate classification (germline): Uncertain significance (1 of 4 stars; one submission).

Submission:

Women's Health and Genetics/Laboratory Corporation of America, LabCorp
Classification: Uncertain significance. Last evaluated: 2026-01-02. Review status: criteria provided, single submitter. Criteria: LabCorp Variant Classification Summary - May 2015. Collection method: clinical testing. Allele origin: germline.
Comment: Variant summary: MMAA c.826A>C (p.Lys276Gln) results in a conservative amino acid change in the encoded protein sequence. Algorithms developed to predict the effect of missense changes on protein structure and function are either unavailable or do not agree on the potential impact of this missense change. The variant was absent in 251450 control chromosomes (gnomAD). The available data on variant occurrences in the general population are insufficient to allow any conclusion about variant significance. To our knowledge, no occurrence of c.826A>C in individuals affected with MMAA-related conditions and no experimental evidence demonstrating its impact on protein function have been reported. No submitters have cited clinical-significance assessments for this variant to ClinVar. Based on the evidence outlined above, the variant was classified as uncertain significance.